The following is an entry in ClinVar:

NM_175607.3(CNTN4):c.315G>A (p.Ser105=)

Gene: CNTN4 (contactin 4; plus strand). Cytogenetic location: 3p26.3.
Variant type: single nucleotide variant.
Coding change: c.315G>A on transcript NM_175607.3 (MANE Select); coding-DNA position 315, G replaced by A.
Protein change: p.Ser105=; no amino-acid change (serine 105 retained).
Molecular consequence: synonymous variant.
Genome position (GRCh38, 1-based): chr3:2,745,654, G>A. VCF-style: chr3-2745654-G-A. GRCh37 (hg19) VCF-style: chr3-2787338-G-A.
Other names: c.315G>A, p.Ser105= (NM_001206955.2, NM_001350095.2).
Identifiers: ClinVar variation 775840 (VCV000775840.7), dbSNP rs116041691, ClinGen allele CA2226998.

ClinVar aggregate classification (germline): Benign. Review status: criteria provided, multiple submitters, no conflicts (2 of 4 stars). 3 submissions from 3 submitters: Benign (2). 1 of the submissions does not count toward it. Last evaluated 2019-12-31.

Conditions:
CNTN4-related disorder. Also called: CNTN4-related condition.

Allele frequency attached by ClinVar (database versions not stated): ESP Exome Variant Server 0.00535; 1000 Genomes Project 0.00559; 1000 Genomes Project 30x 0.00578; gnomAD 0.00616; TOPMed 0.00625.
gnomAD v4.1: 1,824 of 1,614,042 alleles (0.11%); highest among the groups gnomAD compares: African/African-American, 2%; 22 homozygotes.

Submissions (3):

Labcorp Genetics (formerly Invitae), Labcorp
Classification: Benign. Last evaluated: 2019-12-31. Review status: criteria provided, single submitter. Criteria: Invitae Variant Classification Sherloc (09022015). Collection method: clinical testing. Allele origin: germline.

Breakthrough Genomics
Classification: Benign. Review status: criteria provided, single submitter. Criteria: ACMG Guidelines, 2015. Collection method: not provided. Allele origin: germline. Inheritance: Unknown mechanism. Affected: yes.

PreventionGenetics, part of Exact Sciences
Classification: Likely benign for CNTN4-related condition. Last evaluated: 2019-11-14. Review status: no assertion criteria provided. Collection method: clinical testing. Allele origin: germline. Not counted in ClinVar's aggregate classification.
Comment: This variant is classified as likely benign based on ACMG/AMP sequence variant interpretation guidelines (Richards et al. 2015 PMID: 25741868, with internal and published modifications).